The following is an entry in ClinVar:

ClinVar aggregate classification (germline): Uncertain significance (1 of 4 stars; one submission).

Conditions:
Autosomal recessive limb-girdle muscular dystrophy type 2F (LGMDR6). Also called: Muscular dystrophy limb-girdle with delta-sarcoglyan deficiency; MUSCULAR DYSTROPHY, LIMB-GIRDLE, AUTOSOMAL RECESSIVE 6. Identifiers: Orphanet 219, MedGen C1832525, MONDO:0011028, OMIM 601287. Disease mechanism: Affects gamma-sarcoglycan and also disrupts the integrity of the entire sarcoglycan complex..

Allele frequency attached by ClinVar (database versions not stated): gnomAD exomes below 0.00001; ExAC 0.00001.

Submission:

Labcorp Genetics (formerly Invitae), Labcorp
Classification: Uncertain significance for Autosomal recessive limb-girdle muscular dystrophy type 2F. Last evaluated: 2022-08-19. Review status: criteria provided, single submitter. Criteria: Invitae Variant Classification Sherloc (09022015). Collection method: clinical testing. Allele origin: germline.
Comment: This sequence change replaces glycine, which is neutral and non-polar, with arginine, which is basic and polar, at codon 279 of the SGCD protein (p.Gly279Arg). This variant is present in population databases (rs778210302, gnomAD 0.0009%). This variant has not been reported in the literature in individuals affected with SGCD-related conditions. Algorithms developed to predict the effect of missense changes on protein structure and function (SIFT, PolyPhen-2, Align-GVGD) all suggest that this variant is likely to be tolerated. In summary, the available evidence is currently insufficient to determine the role of this variant in disease. Therefore, it has been classified as a Variant of Uncertain Significance.

NM_000337.6(SGCD):c.835G>A (p.Gly279Arg)

Gene: SGCD (sarcoglycan delta; plus strand). Cytogenetic location: 5q33.3.
Variant type: single nucleotide variant.
Coding change: c.835G>A on transcript NM_000337.6 (MANE Select); coding-DNA position 835, G replaced by A.
Protein change: p.Gly279Arg; replaces glycine 279 with arginine.
Molecular consequence: missense variant.
Genome position (GRCh38, 1-based): chr5:156,759,352, G>A. VCF-style: chr5-156759352-G-A. GRCh37 (hg19) VCF-style: chr5-156186363-G-A.
Other names: c.832G>A, p.Gly278Arg (NM_001128209.2); short protein forms G279R, G278R.
Identifiers: ClinVar variation 2196410 (VCV002196410.1), dbSNP rs778210302, ClinGen allele CA3530708.